The following is an entry in ClinVar:

NM_017934.7(PHIP):c.4227C>T (p.Arg1409=)

Genes: IRAK1BP1 (interleukin 1 receptor associated kinase 1 binding protein 1; plus strand), PHIP (PHIP subunit of CUL4-Ring ligase complex; minus strand). Cytogenetic location: 6q14.1.
Variant type: single nucleotide variant.
Coding change: c.4227C>T on transcript NM_017934.7 (MANE Select); coding-DNA position 4227, C replaced by T.
Protein change: p.Arg1409=; no amino-acid change (arginine 1409 retained).
Molecular consequence: synonymous variant.
Genome position (GRCh38, 1-based): chr6:78,946,854, G>A on the plus strand (C>T on the coding strand, the complement: PHIP is on the minus strand). VCF-style: chr6-78946854-G-A. GRCh37 (hg19) VCF-style: chr6-79656571-G-A.
Identifiers: ClinVar variation 3037863 (VCV003037863.2), dbSNP rs757146977, ClinGen allele CA3899489.
Genomic context (GRCh38, chr6:78,946,854, plus strand): 5'-AAGAGCAGATTTATAATCTGATAAAACTGAACTAATGTGTTCTTCAAAGAAAGCAGACAG[G>A]CGCAAACTCATGCTGTAAATCTGTGAGGGAAAAAAAAAAGTGTTCAACCATTCCTTGGAG-3'
Protein context (NP_060404.4, residues 1399-1419): KRSRIYSMSL[Arg1409=]LSAFFEEHIS

ClinVar aggregate classification (germline): Likely benign (0 of 4 stars; one submission).

Conditions:
PHIP-related disorder. Also called: PHIP-related condition; PHIP-related disorders.

Allele frequency attached by ClinVar (database versions not stated): gnomAD exomes below 0.00001; gnomAD 0.00001; TOPMed 0.00001; ExAC 0.00003.
gnomAD v4.1: 5 of 1,569,810 alleles (0.00032%); highest among the groups gnomAD compares: Admixed American, 0.01%; no homozygotes.

Submission:

PreventionGenetics, part of Exact Sciences
Classification: Likely benign for PHIP-related condition. Last evaluated: 2019-05-02. Review status: no assertion criteria provided. Collection method: clinical testing. Allele origin: germline.
Comment: This variant is classified as likely benign based on ACMG/AMP sequence variant interpretation guidelines (Richards et al. 2015 PMID: 25741868, with internal and published modifications).